The following is an entry in ClinVar:

ClinVar aggregate classification (germline): Pathogenic (1 of 4 stars; one submission).

Conditions:
Fanconi anemia (FA). Also called: Fanconi's anemia. Identifiers: Orphanet 84, MedGen C0015625, MeSH D005199, MONDO:0019391.

Submission:

Labcorp Genetics (formerly Invitae), Labcorp
Classification: Pathogenic for Fanconi anemia. Last evaluated: 2023-03-14. Review status: criteria provided, single submitter. Criteria: Invitae Variant Classification Sherloc (09022015). Collection method: clinical testing. Allele origin: germline.
Comment: For these reasons, this variant has been classified as Pathogenic. This variant has not been reported in the literature in individuals affected with FANCD2-related conditions. This variant is not present in population databases (gnomAD no frequency). This sequence change creates a premature translational stop signal (p.Phe1231Leufs*7) in the FANCD2 gene. It is expected to result in an absent or disrupted protein product. Loss-of-function variants in FANCD2 are known to be pathogenic (PMID: 17436244).

Literature cited by the submitters: PubMed 17436244.

NM_001018115.3(FANCD2):c.3693del (p.Phe1231fs)

Genes: FANCD2 (FA complementation group D2; plus strand), FANCD2OS (FANCD2 opposite strand; minus strand). Cytogenetic location: 3p25.3.
Variant type: Deletion.
Coding change: c.3693del on transcript NM_001018115.3 (MANE Select); coding-DNA position 3693, one base deleted (T; older notation c.3693delT).
Protein change: p.Phe1231fs; shifts the reading frame from phenylalanine 1231.
Molecular consequence: frameshift variant. On other transcripts: intron variant (1).
Genome position (GRCh38, 1-based): chr3:10,090,301, T deleted; the last of 4 consecutive T bases (chr3:10,090,298-10,090,301); deleting any one gives the same sequence. VCF-style (leftmost placement, unchanged base first): chr3-10090297-CT-C. GRCh37 (hg19) VCF-style: chr3-10131981-CT-C.
Other names: c.3693del, p.Phe1231fs (NM_001319984.2, NM_001374254.1, NM_033084.6); c.3582del, p.Phe1194fs (NM_001374253.1); c.*44-8767del (NM_173472.2); short protein forms F1231fs, F1194fs.
Identifiers: ClinVar variation 2807269 (VCV002807269.3), dbSNP rs2470056889, ClinGen allele CA2739278516.